The following is an entry in ClinVar:

ClinVar aggregate classification (germline): Pathogenic (1 of 4 stars; one submission).

Submission:

Labcorp Genetics (formerly Invitae), Labcorp
Classification: Pathogenic. Last evaluated: 2022-06-19. Review status: criteria provided, single submitter. Criteria: Invitae Variant Classification Sherloc (09022015). Collection method: clinical testing. Allele origin: unknown.
Comment: For these reasons, this variant has been classified as Pathogenic. A similar copy number variant has been observed in individuals with hypophosphatemic rickets (Invitae). This variant results in a copy number gain of the genomic region encompassing exon(s) 3-12 of the PHEX gene. While the exact position of this variant cannot be determined from the data, sub-genic copy number gains are generally in tandem (PMID: 25640679). This variant is predicted to be out-of-frame, and may result in an absent or disrupted protein product. Loss-of-function variants in PHEX are known to be pathogenic (PMID: 9097956, 9106524, 19219621).

Literature cited by the submitters: PubMed 25640679; PubMed 9097956; PubMed 9106524; PubMed 19219621.

NC_000023.10:g.(?_22065148)_(22151761_?)dup

Gene: PHEX (phosphate regulating endopeptidase X-linked; plus strand). Cytogenetic location: Xp22.11.
Variant type: Duplication.
Identifiers: ClinVar variation 3246122 (VCV003246122.1).